The following is an entry in ClinVar:

ClinVar aggregate classification (germline): Uncertain significance (1 of 4 stars; one submission).

Submission:

Women's Health and Genetics/Laboratory Corporation of America, LabCorp
Classification: Uncertain significance. Last evaluated: 2025-11-03. Review status: criteria provided, single submitter. Criteria: LabCorp Variant Classification Summary - May 2015. Collection method: clinical testing. Allele origin: germline.
Comment: Variant summary: TTN c.28375_28386del12 (p.Lys9459_Val9462del) results in an in-frame deletion that is predicted to remove four amino acids from the encoded protein. The variant was absent in 249132 control chromosomes. The available data on variant occurrences in the general population are insufficient to allow any conclusion about variant significance. To our knowledge, no occurrence of c.28375_28386del12 in individuals affected with TTN-related conditions and no experimental evidence demonstrating its impact on protein function have been reported. No submitters have cited clinical-significance assessments for this variant to ClinVar. Based on the evidence outlined above, the variant was classified as uncertain significance.

NM_001267550.2(TTN):c.32107_32118del (p.Lys10703_Val10706del)

Gene: TTN (titin; minus strand). Cytogenetic location: 2q31.2.
Variant type: Deletion.
Coding change: c.32107_32118del on transcript NM_001267550.2 (MANE Select); coding-DNA positions 32107 to 32118, 12 bases deleted (AAGAAAACTGTT).
Protein change: p.Lys10703_Val10706del.
Molecular consequence: intron variant (on NM_003319.4).
Genome position (GRCh38, 1-based): chr2:178,688,756-178,688,767, AACAGTTTTCTT deleted on the plus strand (AAGAAAACTGTT on the coding strand, the reverse complement: TTN is on the minus strand); deleting any 12 consecutive bases within chr2:178,688,756-178,688,768 gives the same sequence; the c. name uses the placement nearest the transcript's 3' end. VCF-style (leftmost placement, unchanged base first): chr2-178688755-CAACAGTTTTCTT-C. GRCh37 (hg19) VCF-style: chr2-179553482-CAACAGTTTTCTT-C.
Other names: c.31156_31167del, p.Lys10386_Val10389del (NM_001256850.1); c.28375_28386del, p.Lys9459_Val9462del (NM_133378.4); c.13283-46450_13283-46439del (NM_003319.4); c.13859-46450_13859-46439del (NM_133437.4); c.13658-46450_13658-46439del (NM_133432.3); c.28375_28386del12 (NM_133378.4).
Identifiers: ClinVar variation 4537131 (VCV004537131.1).